The following is an entry in ClinVar:

ClinVar aggregate classification (germline): Uncertain significance (1 of 4 stars; one submission).

gnomAD v4.1: 2 of 1,606,412 alleles (0.00012%); highest among the groups gnomAD compares: African/African-American, 0.0027%; no homozygotes.

Submission:

GeneDx
Classification: Uncertain significance. Last evaluated: 2023-05-08. Review status: criteria provided, single submitter. Criteria: GeneDx Variant Classification Process June 2021. Collection method: clinical testing. Allele origin: germline. Affected: yes.
Comment: Not observed at significant frequency in large population cohorts (gnomAD); In silico analysis supports that this missense variant does not alter protein structure/function; In silico analysis suggests this variant may impact gene splicing. In the absence of RNA/functional studies, the actual effect of this sequence change is unknown.; Has not been previously published as pathogenic or benign to our knowledge

NM_003482.4(KMT2D):c.4036A>T (p.Ser1346Cys)

Gene: KMT2D (lysine methyltransferase 2D; minus strand). Cytogenetic location: 12q13.12.
Variant type: single nucleotide variant.
Coding change: c.4036A>T on transcript NM_003482.4 (MANE Select); coding-DNA position 4036, A replaced by T.
Protein change: p.Ser1346Cys; replaces serine 1346 with cysteine.
Molecular consequence: missense variant.
Genome position (GRCh38, 1-based): chr12:49,048,754, T>A on the plus strand (A>T on the coding strand, the complement: KMT2D is on the minus strand). VCF-style: chr12-49048754-T-A. GRCh37 (hg19) VCF-style: chr12-49442537-T-A.
Other names: short protein forms S1346C.
Identifiers: ClinVar variation 2663070 (VCV002663070.1), dbSNP rs1937714068, ClinGen allele CA384651055.
Genomic context (GRCh38, chr12:49,048,754, plus strand): 5'-GAACCACGGTATTCTGCATGGTGTCATCATCTTCTTCCTCCTCCTCCTTACTGGGAGAGC[T>A]ATCAATGTCAGCAACCTGATGGGCAGAGAGTTATGGAAAGTGAGGCAGATAAATCTGCCC-3'
Protein context (NP_003473.3, residues 1336-1356): IETLVVADID[Ser1346Cys]SPSKEEEEED